The following is an entry in ClinVar:

NM_001042492.3(NF1):c.3725T>A (p.Val1242Asp)

Gene: NF1 (neurofibromin 1; plus strand). Cytogenetic location: 17q11.2.
Variant type: single nucleotide variant.
Coding change: c.3725T>A on transcript NM_001042492.3 (MANE Select); coding-DNA position 3725, T replaced by A.
Protein change: p.Val1242Asp; replaces valine 1242 with aspartic acid.
Molecular consequence: missense variant.
Genome position (GRCh38, 1-based): chr17:31,235,627, T>A. VCF-style: chr17-31235627-T-A. GRCh37 (hg19) VCF-style: chr17-29562645-T-A.
Other names: c.3725T>A, p.Val1242Asp (NM_000267.4); short protein forms V1242D.
Identifiers: ClinVar variation 4033335 (VCV004033335.1).

ClinVar aggregate classification (germline): Uncertain significance (1 of 4 stars; one submission).

Conditions:
Cardiovascular phenotype. Identifiers: MedGen CN230736.
Hereditary cancer-predisposing syndrome. Also called: Neoplastic Syndromes, Hereditary; Tumor predisposition; Hereditary neoplastic syndrome; Hereditary Cancer Syndrome. Identifiers: Orphanet 140162, MedGen C0027672, MeSH D009386, MONDO:0015356.

Submission:

Ambry Genetics
Classification: Uncertain significance for Cardiovascular phenotype; Hereditary cancer-predisposing syndrome. Last evaluated: 2025-05-23. Review status: criteria provided, single submitter. Criteria: Ambry Variant Classification Scheme 2023. Collection method: clinical testing. Allele origin: germline.
Comment: The p.V1242D variant (also known as c.3725T>A), located in coding exon 28 of the NF1 gene, results from a T to A substitution at nucleotide position 3725. The valine at codon 1242 is replaced by aspartic acid, an amino acid with highly dissimilar properties. This amino acid position is conserved. In addition, this alteration is predicted to be deleterious by in silico analysis. Based on the available evidence, the clinical significance of this variant remains unclear.